The following is an entry in ClinVar:

ClinVar aggregate classification (germline): Uncertain significance (1 of 4 stars; one submission).

Conditions:
Hyperekplexia 3 (HKPX3). Also called: HYPEREKPLEXIA 3, AUTOSOMAL RECESSIVE; HYPEREKPLEXIA 3, AUTOSOMAL DOMINANT. Identifiers: Orphanet 3197, MedGen C3553288, MONDO:0013827, OMIM 614618.

Submission:

Labcorp Genetics (formerly Invitae), Labcorp
Classification: Uncertain significance for Hyperekplexia 3. Last evaluated: 2023-11-27. Review status: criteria provided, single submitter. Criteria: Invitae Variant Classification Sherloc (09022015). Collection method: clinical testing. Allele origin: germline.
Comment: This sequence change replaces valine, which is neutral and non-polar, with leucine, which is neutral and non-polar, at codon 368 of the SLC6A5 protein (p.Val368Leu). This variant is not present in population databases (gnomAD no frequency). This variant has not been reported in the literature in individuals affected with SLC6A5-related conditions. ClinVar contains an entry for this variant (Variation ID: 1352127). Advanced modeling of protein sequence and biophysical properties (such as structural, functional, and spatial information, amino acid conservation, physicochemical variation, residue mobility, and thermodynamic stability) performed at Invitae indicates that this missense variant is not expected to disrupt SLC6A5 protein function with a negative predictive value of 95%. In summary, the available evidence is currently insufficient to determine the role of this variant in disease. Therefore, it has been classified as a Variant of Uncertain Significance.

NM_004211.5(SLC6A5):c.1102G>C (p.Val368Leu)

Gene: SLC6A5 (solute carrier family 6 member 5; plus strand). Cytogenetic location: 11p15.1.
Variant type: single nucleotide variant.
Coding change: c.1102G>C on transcript NM_004211.5 (MANE Select); coding-DNA position 1102, G replaced by C.
Protein change: p.Val368Leu; replaces valine 368 with leucine.
Molecular consequence: missense variant.
Genome position (GRCh38, 1-based): chr11:20,614,795, G>C. VCF-style: chr11-20614795-G-C. GRCh37 (hg19) VCF-style: chr11-20636341-G-C.
Other names: c.400G>C, p.Val134Leu (NM_001318369.2); short protein forms V134L, V368L.
Identifiers: ClinVar variation 1352127 (VCV001352127.6), dbSNP rs2133784829, ClinGen allele CA379915777.